The following is an entry in ClinVar:

ClinVar aggregate classification (germline): Uncertain significance (1 of 4 stars; one submission).

Submission:

Labcorp Genetics (formerly Invitae), Labcorp
Classification: Uncertain significance. Last evaluated: 2025-01-30. Review status: criteria provided, single submitter. Criteria: Invitae Variant Classification Sherloc (09022015). Collection method: clinical testing. Allele origin: germline.
Comment: This sequence change replaces alanine, which is neutral and non-polar, with valine, which is neutral and non-polar, at codon 5 of the RBFOX2 protein (p.Ala5Val). The frequency data for this variant in the population databases is considered unreliable, as metrics indicate insufficient coverage at this position in the gnomAD database. This variant has not been reported in the literature in individuals affected with RBFOX2-related conditions. An algorithm developed to predict the effect of missense changes on protein structure and function (PolyPhen-2) suggests that this variant is likely to be tolerated. In summary, the available evidence is currently insufficient to determine the role of this variant in disease. Therefore, it has been classified as a Variant of Uncertain Significance.

NM_001349999.2(RBFOX2):c.14C>T (p.Ala5Val)

Gene: RBFOX2 (RNA binding fox-1 homolog 2; minus strand). Cytogenetic location: 22q12.3.
Variant type: single nucleotide variant.
Coding change: c.14C>T on transcript NM_001349999.2 (MANE Select); coding-DNA position 14, C replaced by T.
Protein change: p.Ala5Val; replaces alanine 5 with valine.
Molecular consequence: missense variant.
Genome position (GRCh38, 1-based): chr22:36,028,412, G>A on the plus strand (C>T on the coding strand, the complement: RBFOX2 is on the minus strand). VCF-style: chr22-36028412-G-A. GRCh37 (hg19) VCF-style: chr22-36424460-G-A.
Other names: c.14C>T, p.Ala5Val (NM_001082578.4, NM_001082579.3, NM_001394108.1 and 7 more transcripts); short protein forms A5V.
Identifiers: ClinVar variation 3694434 (VCV003694434.2).